The following is an entry in ClinVar:

ClinVar aggregate classification (germline): Pathogenic. Review status: reviewed by expert panel (3 of 4 stars). 2 submissions from 2 submitters: Pathogenic (1). 1 of the submissions does not count toward it. Last evaluated 2016-10-18.

Conditions:
Breast-ovarian cancer, familial, susceptibility to, 2 (BROVCA2). Also called: BRCA2 Hereditary Breast and Ovarian Cancer. Identifiers: Orphanet 145, MedGen C2675520, MONDO:0012933, OMIM 612555. Disease mechanism: loss of function.

Submissions (2):

Evidence-based Network for the Interpretation of Germline Mutant Alleles (ENIGMA)
Classification: Pathogenic for Breast-ovarian cancer, familial, susceptibility to, 2. Last evaluated: 2016-10-18. Review status: reviewed by expert panel. Criteria: ENIGMA BRCA1/2 Classification Criteria (2015). Collection method: curation. Allele origin: germline.
Comment: Variant allele predicted to encode a truncated non-functional protein.

Consortium of Investigators of Modifiers of BRCA1/2 (CIMBA), c/o University of Cambridge
Classification: Pathogenic for Breast-ovarian cancer, familial, susceptibility to, 2. Last evaluated: 2015-10-02. Review status: criteria provided, single submitter. Criteria: CIMBA Mutation Classification guidelines May 2016. Collection method: clinical testing. Allele origin: germline. Not counted in ClinVar's aggregate classification.

NM_000059.4(BRCA2):c.5677_5678insA (p.Cys1893Ter)

Gene: BRCA2 (BRCA2 DNA repair associated; plus strand). Cytogenetic location: 13q13.1.
Variant type: Insertion.
Coding change: c.5677_5678insA on transcript NM_000059.4 (MANE Select); coding-DNA positions 5677 to 5678, A inserted.
Protein change: p.Cys1893Ter; replaces cysteine 1893 with a stop codon.
Molecular consequence: nonsense.
Genome position: GRCh38 VCF-style: chr13-32340032-T-TA. GRCh37 (hg19) VCF-style: chr13-32914169-T-TA.
Other names: 5905insA; short protein forms C1893*.
Identifiers: ClinVar variation 266889 (VCV000266889.5), dbSNP rs886040604, ClinGen allele CA10589325.